The following is an entry in ClinVar:

ClinVar aggregate classification (germline): Benign. Review status: criteria provided, multiple submitters, no conflicts (2 of 4 stars). 2 submissions from 2 submitters: Benign (2). Last evaluated 2018-01-13.

Conditions:
Renal tubular dysgenesis. Also called: Renotubular dysgenesis. Identifiers: Orphanet 3033, MedGen C0266313, MONDO:0017609, HP:0008660.

Allele frequency attached by ClinVar (database versions not stated): 1000 Genomes Project 0.67073; TOPMed 0.71031; gnomAD 0.71156 and 0.71723; gnomAD exomes 0.81906.
gnomAD v4.1: 120,797 of 166,080 alleles (73%); highest among the groups gnomAD compares: Non-Finnish European, 87%; 47,848 homozygotes.

Submissions (2):

Illumina Laboratory Services, Illumina
Classification: Benign for Renal tubular dysgenesis of genetic origin. Last evaluated: 2018-01-13. Review status: criteria provided, single submitter. Criteria: ICSL Variant Classification Criteria 13 December 2019. Collection method: clinical testing. Allele origin: germline.
Comment: This variant was observed in the ICSL laboratory as part of a predisposition screen in an ostensibly healthy population. It had not been previously curated by ICSL or reported in the Human Gene Mutation Database (HGMD: prior to June 1st, 2018), and was therefore a candidate for classification through an automated scoring system. Utilizing variant allele frequency, disease prevalence and penetrance estimates, and inheritance mode, an automated score was calculated to assess if this variant is too frequent to cause the disease. Based on the score and internal cut-off values, a variant classified as benign is not then subjected to further curation. The score for this variant resulted in a classification of benign for this disease.

Breakthrough Genomics
Classification: Benign. Review status: criteria provided, single submitter. Criteria: ACMG Guidelines, 2015. Collection method: not provided. Allele origin: germline. Inheritance: Autosomal recessive inheritance. Affected: yes.

NM_000685.5(AGTR1):c.*798G>A

Gene: AGTR1 (angiotensin II receptor type 1; plus strand). Cytogenetic location: 3q24.
Variant type: single nucleotide variant.
Coding change: c.*798G>A on transcript NM_000685.5 (MANE Select); 798 bases downstream of the stop codon, G replaced by A.
Molecular consequence: 3 prime UTR variant.
Genome position (GRCh38, 1-based): chr3:148,742,913, G>A. VCF-style: chr3-148742913-G-A. GRCh37 (hg19) VCF-style: chr3-148460700-G-A.
Other names: c.*798G>A (NM_001382736.1, NM_001382737.1, NM_004835.5 and 3 more transcripts).
Identifiers: ClinVar variation 343686 (VCV000343686.6), dbSNP rs380400, ClinGen allele CA10615053.